The following is an entry in ClinVar:

ClinVar aggregate classification (germline): Uncertain significance. Review status: criteria provided, multiple submitters, no conflicts (2 of 4 stars). 2 submissions from 2 submitters: Uncertain significance (2). Last evaluated 2025-04-03.

Conditions:
Primary ciliary dyskinesia. Also called: Ciliary dyskinesia. Identifiers: Orphanet 244, MedGen C0008780, MONDO:0016575, HP:0012265.

Allele frequency attached by ClinVar (database versions not stated): gnomAD exomes 0.00004 and 0.00002; ExAC 0.00001; gnomAD 0.00001; TOPMed 0.00001.
gnomAD v4.1: 59 of 1,613,892 alleles (0.0037%); highest among the groups gnomAD compares: Non-Finnish European, 0.0045%; no homozygotes.

Submissions (2):

Ambry Genetics
Classification: Uncertain significance for Primary ciliary dyskinesia. Last evaluated: 2025-04-03. Review status: criteria provided, single submitter. Criteria: Ambry Variant Classification Scheme 2023. Collection method: clinical testing. Allele origin: germline.

Labcorp Genetics (formerly Invitae), Labcorp
Classification: Uncertain significance for Primary ciliary dyskinesia. Last evaluated: 2021-08-24. Review status: criteria provided, single submitter. Criteria: Invitae Variant Classification Sherloc (09022015). Collection method: clinical testing. Allele origin: germline.
Comment: This sequence change replaces leucine with valine at codon 337 of the CCDC114 protein (p.Leu337Val). The leucine residue is weakly conserved and there is a small physicochemical difference between leucine and valine. This variant is present in population databases (rs772352412, ExAC 0.01%). This variant has not been reported in the literature in individuals affected with CCDC114-related conditions. Algorithms developed to predict the effect of missense changes on protein structure and function (SIFT, PolyPhen-2, Align-GVGD) all suggest that this variant is likely to be tolerated. In summary, the available evidence is currently insufficient to determine the role of this variant in disease. Therefore, it has been classified as a Variant of Uncertain Significance.

NM_001364171.2(ODAD1):c.1120T>G (p.Leu374Val)

Gene: ODAD1 (outer dynein arm docking complex subunit 1; minus strand). Cytogenetic location: 19q13.33.
Variant type: single nucleotide variant.
Coding change: c.1120T>G on transcript NM_001364171.2 (MANE Select); coding-DNA position 1120, T replaced by G.
Protein change: p.Leu374Val; replaces leucine 374 with valine.
Molecular consequence: missense variant.
Genome position (GRCh38, 1-based): chr19:48,302,814, A>C on the plus strand (T>G on the coding strand, the complement: ODAD1 is on the minus strand). VCF-style: chr19-48302814-A-C. GRCh37 (hg19) VCF-style: chr19-48806071-A-C.
Other names: c.1009T>G, p.Leu337Val (NM_144577.4); short protein forms L337V, L374V.
Identifiers: ClinVar variation 657267 (VCV000657267.15), dbSNP rs772352412, ClinGen allele CA9548812.